The following is an entry in ClinVar:

ClinVar aggregate classification (germline): Uncertain significance (1 of 4 stars; one submission).

Conditions:
Cardiomyopathy (CMYO). Also called: Cardiomyopathies. Identifiers: Orphanet 167848, MedGen C0878544, MONDO:0004994, HP:0001638. Inheritance: Various modes of inheritance.

Submission:

Color Diagnostics, LLC DBA Color Health
Classification: Uncertain significance for Cardiomyopathy. Last evaluated: 2025-07-08. Review status: criteria provided, single submitter. Criteria: ACMG Guidelines, 2015. Collection method: clinical testing. Allele origin: germline.
Comment: This missense variant replaces aspartic acid with glutamic acid at codon 2379 of the RYR2 protein. Computational prediction suggests that this variant may not impact protein structure and function. To our knowledge, functional studies have not been reported for this variant. This variant has not been reported in individuals affected with RYR2-related disorders in the literature. This variant has not been identified in the general population by the Genome Aggregation Database (gnomAD). The available evidence is insufficient to determine the role of this variant in disease conclusively. Therefore, this variant is classified as a Variant of Uncertain Significance.

NM_001035.3(RYR2):c.7137T>A (p.Asp2379Glu)

Gene: RYR2 (ryanodine receptor 2; plus strand). Cytogenetic location: 1q43.
Variant type: single nucleotide variant.
Coding change: c.7137T>A on transcript NM_001035.3 (MANE Select); coding-DNA position 7137, T replaced by A.
Protein change: p.Asp2379Glu; replaces aspartic acid 2379 with glutamic acid.
Molecular consequence: missense variant.
Genome position (GRCh38, 1-based): chr1:237,640,918, T>A. VCF-style: chr1-237640918-T-A. GRCh37 (hg19) VCF-style: chr1-237804218-T-A.
Other names: short protein forms D2379E.
Identifiers: ClinVar variation 4757579 (VCV004757579.1).